The following is an entry in ClinVar:

ClinVar aggregate classification (germline): Likely pathogenic (1 of 4 stars; one submission).

Allele frequency attached by ClinVar (database versions not stated): gnomAD exomes below 0.00001.
gnomAD v4.1: 1 of 1,610,808 alleles (0.000062%); highest among the groups gnomAD compares: Non-Finnish European, 0.000085%; no homozygotes.

Submission:

Labcorp Genetics (formerly Invitae), Labcorp
Classification: Likely pathogenic. Last evaluated: 2023-09-11. Review status: criteria provided, single submitter. Criteria: Invitae Variant Classification Sherloc (09022015). Collection method: clinical testing. Allele origin: germline.
Comment: This sequence change affects a donor splice site in intron 5 of the HPS5 gene. It is expected to disrupt RNA splicing. Variants that disrupt the donor or acceptor splice site typically lead to a loss of protein function (PMID: 16199547), and loss-of-function variants in HPS5 are known to be pathogenic (PMID: 12548288, 15296495, 21833017, 26785811). This variant is not present in population databases (gnomAD no frequency). In summary, the currently available evidence indicates that the variant is pathogenic, but additional data are needed to prove that conclusively. Therefore, this variant has been classified as Likely Pathogenic. Algorithms developed to predict the effect of sequence changes on RNA splicing suggest that this variant may disrupt the consensus splice site. Disruption of this splice site has been observed in individual(s) with clinical features of HPS5-related conditions (PMID: 31519934).

Literature cited by the submitters: PubMed 16199547; PubMed 12548288; PubMed 15296495; PubMed 21833017; PubMed 26785811; PubMed 31519934.

NM_181507.2(HPS5):c.477+1G>A

Gene: HPS5 (HPS5 biogenesis of lysosomal organelles complex 2 subunit 2; minus strand). Cytogenetic location: 11p15.1.
Variant type: single nucleotide variant.
Coding change: c.477+1G>A on transcript NM_181507.2 (MANE Select); the canonical splice donor site of the intron after coding-DNA position 477, G replaced by A.
Molecular consequence: splice donor variant.
Genome position (GRCh38, 1-based): chr11:18,310,740, C>T on the plus strand (G>A on the coding strand, the complement: HPS5 is on the minus strand). VCF-style: chr11-18310740-C-T. GRCh37 (hg19) VCF-style: chr11-18332287-C-T.
Other names: c.477+1G>A (NM_001440904.1, NM_001440919.1, NM_001440916.1 and 6 more transcripts); c.291+1G>A (NM_001440918.1); c.402+1G>A (NM_001440908.1, NM_001440907.1, NM_001440909.1); c.135+1G>A (NM_001440928.1, NM_001440922.1, NM_001440927.1 and 10 more transcripts); c.366+1G>A (NM_001440913.1, NM_001440915.1, NM_001440914.1).
Identifiers: ClinVar variation 2972677 (VCV002972677.3), dbSNP rs2494186911, ClinGen allele CA379504823.
Genomic context (GRCh38, chr11:18,310,740, plus strand): 5'-AGTTTTATAAGACAACACCTTGTATCTCACTACATACACAAAGAATGGGACTGCTTCTCA[C>T]CTTTGCTTGTTTAGAAGTATTGAGTTTGATAGCAGAAACCTTCCCAGCATGATCACCTAC-3'